The following is an entry in ClinVar:

ClinVar aggregate classification (germline): Likely benign (1 of 4 stars; one submission).

Allele frequency attached by ClinVar (database versions not stated): 1000 Genomes Project 30x 0.00859; 1000 Genomes Project 0.00958; gnomAD 0.00966 and 0.01042; TOPMed 0.01107.
gnomAD v4.1: 1,456 of 152,052 alleles (0.96%); highest among the groups gnomAD compares: African/African-American, 3.3%; 22 homozygotes.

Submission:

GeneDx
Classification: Likely benign. Last evaluated: 2018-06-14. Review status: criteria provided, single submitter. Criteria: GeneDx Variant Classification (06012015). Collection method: clinical testing. Allele origin: germline. Affected: yes.
Comment: This variant is considered likely benign or benign based on one or more of the following criteria: it is a conservative change, it occurs at a poorly conserved position in the protein, it is predicted to be benign by multiple in silico algorithms, and/or has population frequency not consistent with disease.

NM_024422.6(DSC2):c.2126-239G>T

Gene: DSC2 (desmocollin 2; minus strand). Cytogenetic location: 18q12.1.
Variant type: single nucleotide variant.
Coding change: c.2126-239G>T on transcript NM_024422.6 (MANE Select); 239 bases into the intron before coding-DNA position 2126, G replaced by T.
Molecular consequence: intron variant.
Genome position (GRCh38, 1-based): chr18:31,071,089, C>A on the plus strand (G>T on the coding strand, the complement: DSC2 is on the minus strand). VCF-style: chr18-31071089-C-A. GRCh37 (hg19) VCF-style: chr18-28651055-C-A.
Other names: c.2126-239G>T (NM_004949.5).
Identifiers: ClinVar variation 679454 (VCV000679454.1), dbSNP rs78849616, ClinGen allele CA297688165.
Genomic context (GRCh38, chr18:31,071,089, plus strand): 5'-TTAAAAGTTTAAATAGCATATCTACTTAAACTTTTAAACAGATATGCTATAATTATGTTA[C>A]ATGTTCTGTTTCTACATTGAATTTTATGTCTATAATAACTAAGACACTAGAACTATACAT-3'